The following is an entry in ClinVar:

NM_032043.3(BRIP1):c.2258-15T>C

Gene: BRIP1 (BRCA1 interacting DNA helicase 1; minus strand). Cytogenetic location: 17q23.2.
Variant type: single nucleotide variant.
Coding change: c.2258-15T>C on transcript NM_032043.3 (MANE Select); 15 bases into the intron before coding-DNA position 2258, T replaced by C.
Molecular consequence: intron variant.
Genome position (GRCh38, 1-based): chr17:61,743,149, A>G on the plus strand (T>C on the coding strand, the complement: BRIP1 is on the minus strand). VCF-style: chr17-61743149-A-G. GRCh37 (hg19) VCF-style: chr17-59820510-A-G.
Identifiers: ClinVar variation 919416 (VCV000919416.12), dbSNP rs780573511, ClinGen allele CA8690560.
Genomic context (GRCh38, chr17:61,743,149, plus strand): 5'-CCCTCACTCACTTTACCACGACAAACTGCTACCAGGAGAGCTCCATCTTAAACAACAGAA[A>G]AAAGCATATCCAAAATTCTCAGAAATTGCTTATTCTTGTCATTTTGAAAATACCTGATTT-3'

ClinVar aggregate classification (germline): Likely benign. Review status: criteria provided, multiple submitters, no conflicts (2 of 4 stars). 3 submissions from 3 submitters: Likely benign (3). Last evaluated 2025-12-22.

Conditions:
Hereditary cancer-predisposing syndrome. Also called: Hereditary Cancer Syndrome; Hereditary neoplastic syndrome; Neoplastic Syndromes, Hereditary; Tumor predisposition. Identifiers: Orphanet 140162, MedGen C0027672, MeSH D009386, MONDO:0015356.
Familial cancer of breast. Also called: hereditary breast carcinoma; BREAST CANCER, FAMILIAL; Hereditary breast cancer. Identifiers: Orphanet 227535, MedGen C0346153, MONDO:0016419, OMIM 114480. Disease mechanism: loss of function.
Fanconi anemia complementation group J. Also called: BRIP1-Related Fanconi Anemia. Identifiers: Orphanet 84, MedGen C1836860, MONDO:0012187, OMIM 609054.

Allele frequency attached by ClinVar (database versions not stated): gnomAD exomes 0.00001 and 0.00002; ExAC 0.00002.
gnomAD v4.1: 4 of 1,613,748 alleles (0.00025%); highest among the groups gnomAD compares: Admixed American, 0.0067%; no homozygotes.

Submissions (3):

Labcorp Genetics (formerly Invitae), Labcorp
Classification: Likely benign for Familial cancer of breast; Fanconi anemia complementation group J. Last evaluated: 2025-12-22. Review status: criteria provided, single submitter. Criteria: Invitae Variant Classification Sherloc (09022015). Collection method: clinical testing. Allele origin: germline.

Myriad Genetics, Inc.
Classification: Likely benign for Familial cancer of breast. Last evaluated: 2024-09-04. Review status: criteria provided, single submitter. Criteria: Myriad Autosomal Dominant, Autosomal Recessive and X-Linked Classification Criteria (2023). Collection method: clinical testing. Allele origin: unknown.
Comment: This variant is considered likely benign. This variant is intronic and is not expected to impact mRNA splicing.

Color Diagnostics, LLC DBA Color Health
Classification: Likely benign for Hereditary cancer-predisposing syndrome. Last evaluated: 2019-12-09. Review status: criteria provided, single submitter. Criteria: ACMG Guidelines, 2015. Collection method: clinical testing. Allele origin: germline.